The following is an entry in ClinVar:

NM_004186.5(SEMA3F):c.524G>A (p.Arg175His)

Gene: SEMA3F (semaphorin 3F; plus strand). Cytogenetic location: 3p21.31.
Variant type: single nucleotide variant.
Coding change: c.524G>A on transcript NM_004186.5 (MANE Select); coding-DNA position 524, G replaced by A.
Protein change: p.Arg175His; replaces arginine 175 with histidine.
Molecular consequence: missense variant. On other transcripts: intron variant (2).
Genome position (GRCh38, 1-based): chr3:50,175,163, G>A. VCF-style: chr3-50175163-G-A. GRCh37 (hg19) VCF-style: chr3-50212596-G-A.
Other names: c.252+813G>A (NM_001318798.2); c.456+813G>A (NM_001318800.2); c.524G>A (NM_004186.3); short protein forms R175H.
Identifiers: ClinVar variation 3035968 (VCV003035968.3), dbSNP rs138949381, ClinGen allele CA2411804.

ClinVar aggregate classification (germline): Likely benign. Review status: criteria provided, single submitter (1 of 4 stars). 2 submissions from 2 submitters: Likely benign (1). 1 of the submissions does not count toward it. Last evaluated 2025-05-16.

Conditions:
SEMA3F-related disorder. Also called: SEMA3F-related condition.

Allele frequency attached by ClinVar (database versions not stated): ESP Exome Variant Server 0.00008.
gnomAD v4.1: 108 of 1,605,108 alleles (0.0067%); highest among the groups gnomAD compares: Middle Eastern, 0.017%; no homozygotes.

Submissions (2):

Ambry Genetics
Classification: Likely benign. Last evaluated: 2025-05-16. Review status: criteria provided, single submitter. Criteria: Ambry Variant Classification Scheme 2023. Collection method: clinical testing. Allele origin: germline.

PreventionGenetics, part of Exact Sciences
Classification: Uncertain significance for SEMA3F-related condition. Last evaluated: 2024-08-18. Review status: no assertion criteria provided. Collection method: clinical testing. Allele origin: germline. Not counted in ClinVar's aggregate classification.
Comment: The SEMA3F c.524G>A variant is predicted to result in the amino acid substitution p.Arg175His. To our knowledge, this variant has not been reported in the literature. This variant is reported in 0.0069% of alleles in individuals of African descent in gnomAD. At this time, the clinical significance of this variant is uncertain due to the absence of conclusive functional and genetic evidence.